The following is an entry in ClinVar:

ClinVar aggregate classification (germline): Uncertain significance. Review status: criteria provided, multiple submitters, no conflicts (2 of 4 stars). 2 submissions from 2 submitters: Uncertain significance (2). Last evaluated 2025-09-27.

Conditions:
Hereditary cancer-predisposing syndrome. Also called: Neoplastic Syndromes, Hereditary; Tumor predisposition; Hereditary Cancer Syndrome; Hereditary neoplastic syndrome. Identifiers: Orphanet 140162, MedGen C0027672, MeSH D009386, MONDO:0015356.

Submissions (2):

Ambry Genetics
Classification: Uncertain significance for Hereditary cancer-predisposing syndrome. Last evaluated: 2025-09-27. Review status: criteria provided, single submitter. Criteria: Ambry Variant Classification Scheme 2023. Collection method: clinical testing. Allele origin: germline.
Comment: The p.E614Q variant (also known as c.1840G>C), located in coding exon 12 of the RAD50 gene, results from a G to C substitution at nucleotide position 1840. The glutamic acid at codon 614 is replaced by glutamine, an amino acid with highly similar properties. This amino acid position is highly conserved in available vertebrate species. In addition, this alteration is predicted to be tolerated by in silico analysis. Since supporting evidence is limited at this time, the clinical significance of this alteration remains unclear.

Labcorp Genetics (formerly Invitae), Labcorp
Classification: Uncertain significance for Hereditary cancer-predisposing syndrome. Last evaluated: 2022-04-08. Review status: criteria provided, single submitter. Criteria: Invitae Variant Classification Sherloc (09022015). Collection method: clinical testing. Allele origin: germline.
Comment: This sequence change replaces glutamic acid, which is acidic and polar, with glutamine, which is neutral and polar, at codon 614 of the RAD50 protein (p.Glu614Gln). This variant is not present in population databases (gnomAD no frequency). This variant has not been reported in the literature in individuals affected with RAD50-related conditions. ClinVar contains an entry for this variant (Variation ID: 820170). Algorithms developed to predict the effect of missense changes on protein structure and function (SIFT, PolyPhen-2, Align-GVGD) all suggest that this variant is likely to be tolerated. In summary, the available evidence is currently insufficient to determine the role of this variant in disease. Therefore, it has been classified as a Variant of Uncertain Significance.

NM_005732.4(RAD50):c.1840G>C (p.Glu614Gln)

Gene: RAD50 (RAD50 double strand break repair protein; plus strand). Cytogenetic location: 5q31.1.
Variant type: single nucleotide variant.
Coding change: c.1840G>C on transcript NM_005732.4 (MANE Select); coding-DNA position 1840, G replaced by C.
Protein change: p.Glu614Gln; replaces glutamic acid 614 with glutamine.
Molecular consequence: missense variant.
Genome position (GRCh38, 1-based): chr5:132,594,915, G>C. VCF-style: chr5-132594915-G-C. GRCh37 (hg19) VCF-style: chr5-131930607-G-C.
Other names: short protein forms E614Q.
Identifiers: ClinVar variation 820170 (VCV000820170.11), dbSNP rs1038091413, ClinGen allele CA127249182.